The following is an entry in ClinVar:

NM_000069.3(CACNA1S):c.4647G>C (p.Lys1549Asn)

Gene: CACNA1S (calcium voltage-gated channel subunit alpha1 S; minus strand). Cytogenetic location: 1q32.1.
Variant type: single nucleotide variant.
Coding change: c.4647G>C on transcript NM_000069.3 (MANE Select); coding-DNA position 4647, G replaced by C.
Protein change: p.Lys1549Asn; replaces lysine 1549 with asparagine.
Molecular consequence: missense variant.
Genome position (GRCh38, 1-based): chr1:201,047,136, C>G on the plus strand (G>C on the coding strand, the complement: CACNA1S is on the minus strand). VCF-style: chr1-201047136-C-G. GRCh37 (hg19) VCF-style: chr1-201016264-C-G.
Other names: short protein forms K1549N.
Identifiers: ClinVar variation 2926549 (VCV002926549.3), dbSNP rs2464428986, ClinGen allele CA344141691.

ClinVar aggregate classification (germline): Uncertain significance (1 of 4 stars; one submission).

Conditions:
Malignant hyperthermia, susceptibility to, 5 (MHS5). Also called: CACNA1S-Related Malignant Hyperthermia Susceptibility. Identifiers: Orphanet 423, MedGen C1866077, MONDO:0011163, OMIM 601887.
Hypokalemic periodic paralysis, type 1. Also called: Hypokalemic Periodic Paralysis Type 1 (AD); HypoPP. Identifiers: Orphanet 681, MedGen C3714580, MONDO:0042979, OMIM 170400.

Allele frequency attached by ClinVar (database versions not stated): gnomAD exomes below 0.00001.
gnomAD v4.1: 2 of 1,614,220 alleles (0.00012%); highest among the groups gnomAD compares: Non-Finnish European, 0.00017%; no homozygotes.

Submission:

Labcorp Genetics (formerly Invitae), Labcorp
Classification: Uncertain significance for Hypokalemic periodic paralysis, type 1; Malignant hyperthermia, susceptibility to, 5. Last evaluated: 2023-11-14. Review status: criteria provided, single submitter. Criteria: Invitae Variant Classification Sherloc (09022015). Collection method: clinical testing. Allele origin: germline.
Comment: This sequence change replaces lysine, which is basic and polar, with asparagine, which is neutral and polar, at codon 1549 of the CACNA1S protein (p.Lys1549Asn). This variant is not present in population databases (gnomAD no frequency). This variant has not been reported in the literature in individuals affected with CACNA1S-related conditions. Advanced modeling of protein sequence and biophysical properties (such as structural, functional, and spatial information, amino acid conservation, physicochemical variation, residue mobility, and thermodynamic stability) performed at Invitae indicates that this missense variant is not expected to disrupt CACNA1S protein function with a negative predictive value of 80%. In summary, the available evidence is currently insufficient to determine the role of this variant in disease. Therefore, it has been classified as a Variant of Uncertain Significance.